The following is an entry in ClinVar:

NM_001042492.3(NF1):c.8073T>A (p.His2691Gln)

Gene: NF1 (neurofibromin 1; plus strand). Cytogenetic location: 17q11.2.
Variant type: single nucleotide variant.
Coding change: c.8073T>A on transcript NM_001042492.3 (MANE Select); coding-DNA position 8073, T replaced by A.
Protein change: p.His2691Gln; replaces histidine 2691 with glutamine.
Molecular consequence: missense variant.
Genome position (GRCh38, 1-based): chr17:31,358,582, T>A. VCF-style: chr17-31358582-T-A. GRCh37 (hg19) VCF-style: chr17-29685600-T-A.
Other names: c.8010T>A, p.His2670Gln (NM_000267.4); short protein forms H2670Q, H2691Q.
Identifiers: ClinVar variation 3404747 (VCV003404747.1).

ClinVar aggregate classification (germline): Uncertain significance (1 of 4 stars; one submission).

Conditions:
Hereditary cancer-predisposing syndrome. Also called: Hereditary Cancer Syndrome; Tumor predisposition; Hereditary neoplastic syndrome; Neoplastic Syndromes, Hereditary. Identifiers: Orphanet 140162, MedGen C0027672, MeSH D009386, MONDO:0015356.
Cardiovascular phenotype. Identifiers: MedGen CN230736.

Submission:

Ambry Genetics
Classification: Uncertain significance for Cardiovascular phenotype; Hereditary cancer-predisposing syndrome. Last evaluated: 2024-09-18. Review status: criteria provided, single submitter. Criteria: Ambry Variant Classification Scheme 2023. Collection method: clinical testing. Allele origin: germline.
Comment: The p.H2670Q variant (also known as c.8010T>A), located in coding exon 54 of the NF1 gene, results from a T to A substitution at nucleotide position 8010. The histidine at codon 2670 is replaced by glutamine, an amino acid with highly similar properties. This amino acid position is conserved. In addition, this alteration is predicted to be tolerated by in silico analysis. Based on the available evidence, the clinical significance of this variant remains unclear.